The following is an entry in ClinVar:

NM_018979.4(WNK1):c.3592G>A (p.Val1198Met)

Gene: WNK1 (WNK lysine deficient protein kinase 1; plus strand). Cytogenetic location: 12p13.33.
Variant type: single nucleotide variant.
Coding change: c.3592G>A on transcript NM_018979.4 (MANE Select); coding-DNA position 3592, G replaced by A.
Protein change: p.Val1198Met; replaces valine 1198 with methionine.
Molecular consequence: missense variant.
Genome position (GRCh38, 1-based): chr12:883,497, G>A. VCF-style: chr12-883497-G-A. GRCh37 (hg19) VCF-style: chr12-992663-G-A.
Other names: c.4372G>A, p.Val1458Met (NM_001184985.2); c.2851G>A, p.Val951Met (NM_014823.3); c.4348G>A, p.Val1450Met (NM_213655.5); short protein forms V1198M, V1450M, V1458M, V951M.
Identifiers: ClinVar variation 471182 (VCV000471182.8), dbSNP rs1478319114, ClinGen allele CA383329202.
Genomic context (GRCh38, chr12:883,497, plus strand): 5'-GTGGATCAAGTGCGAGAAATTATTGAAAAAGCTGATGAAATGCTCAGTGAGGATGTCAGT[G>A]TGGAACCAGAGGGTGATCAGGGATTGGAGAGTCTACAAGGAAAGGATGACTATGGCTTTT-3'
Protein context (NP_061852.3, residues 1188-1208): ADEMLSEDVS[Val1198Met]EPEGDQGLES

ClinVar aggregate classification (germline): Uncertain significance (1 of 4 stars; one submission).

Conditions:
Neuropathy, hereditary sensory and autonomic, type 2A (HSAN2A). Also called: HSAN IIA; WNK1-Related HSAN2 (HSAN2A); ACROOSTEOLYSIS, GIACCAI TYPE; ACROOSTEOLYSIS, NEUROGENIC; MORVAN DISEASE; NEUROPATHY, CONGENITAL SENSORY. Identifiers: Orphanet 970, MedGen C2752089, MONDO:0024309, OMIM 201300.
Pseudohypoaldosteronism type 2C (PHA2C). Also called: Pseudohypoaldosteronism Type IIC. Identifiers: Orphanet 757, Orphanet 88940, MedGen C1840391, MONDO:0013778, OMIM 614492.

Allele frequency attached by ClinVar (database versions not stated): gnomAD exomes below 0.00001; gnomAD 0.00001; TOPMed 0.00001.
gnomAD v4.1: 3 of 1,614,012 alleles (0.00019%); highest among the groups gnomAD compares: Admixed American, 0.0017%; no homozygotes.

Submission:

Labcorp Genetics (formerly Invitae), Labcorp
Classification: Uncertain significance for Neuropathy, hereditary sensory and autonomic, type 2A; Pseudohypoaldosteronism type 2C. Last evaluated: 2017-06-17. Review status: criteria provided, single submitter. Criteria: Invitae Variant Classification Sherloc (09022015). Collection method: clinical testing. Allele origin: germline.
Comment: In summary, this variant has uncertain impact on WNK1 function. The available evidence is currently insufficient to determine its role in disease. Therefore, it has been classified as a Variant of Uncertain Significance. Algorithms developed to predict the effect of missense changes on protein structure and function do not agree on the potential impact of this missense change (SIFT: "Deleterious"; PolyPhen-2: "Probably Damaging"; Align-GVGD: "Class C15"). This variant has not been reported in the literature in individuals with a WNK1-related disease. This variant is not present in population databases (ExAC no frequency). This sequence change replaces valine with methionine at codon 1198 of the WNK1 protein (p.Val1198Met). The valine residue is highly conserved and there is a small physicochemical difference between valine and methionine.